The following is an entry in ClinVar:

NM_000083.3(CLCN1):c.698G>A (p.Gly233Asp)

Gene: CLCN1 (chloride voltage-gated channel 1; plus strand). Cytogenetic location: 7q34.
Variant type: single nucleotide variant.
Coding change: c.698G>A on transcript NM_000083.3 (MANE Select); coding-DNA position 698, G replaced by A.
Protein change: p.Gly233Asp; replaces glycine 233 with aspartic acid.
Molecular consequence: missense variant. On other transcripts: non-coding transcript variant (1).
Genome position (GRCh38, 1-based): chr7:143,323,310, G>A. VCF-style: chr7-143323310-G-A. GRCh37 (hg19) VCF-style: chr7-143020403-G-A.
Other names: short protein forms G233D.
Identifiers: ClinVar variation 3775419 (VCV003775419.1).

ClinVar aggregate classification (germline): Uncertain significance (1 of 4 stars; one submission).

Conditions:
Congenital myotonia, autosomal recessive form. Also called: Becker Generalized Myotonia; myotonia congenita, autosomal recessive; BECKER DISEASE. Identifiers: Orphanet 614, MedGen C0751360, MONDO:0009715, OMIM 255700.

Submission:

3billion
Classification: Uncertain significance for Congenital myotonia, autosomal recessive form. Last evaluated: 2023-10-18. Review status: criteria provided, single submitter. Criteria: ACMG Guidelines, 2015. Collection method: clinical testing. Allele origin: germline. Affected: yes.
Comment: The variant is not observed in the gnomAD v2.1.1 dataset. Predicted Consequence/Location: Missense variant In silico tool predictions suggest damaging effect of the variant on gene or gene product [REVEL: 0.98 (>=0.6, sensitivity 0.68 and specificity 0.92); 3Cnet: 0.95 (>=0.6, sensitivity 0.72 and precision 0.9)]. Different missense changes at the same codon (p.Gly233Ser, p.Gly233Val) have been reported as pathogenic/likely pathogenic with strong evidence (ClinVar ID: VCV000804708 /PMID: 22094069, 22790975 /3billion dataset). Therefore, this variant is classified as VUS according to the recommendation of ACMG/AMP guideline.

Literature cited by the submitters: PubMed 22094069.